The following is an entry in ClinVar:

NM_007194.4(CHEK2):c.444+8A>T

Gene: CHEK2 (checkpoint kinase 2; minus strand). Cytogenetic location: 22q12.1.
Variant type: single nucleotide variant.
Coding change: c.444+8A>T on transcript NM_007194.4 (MANE Select); 8 bases into the intron after coding-DNA position 444, A replaced by T.
Molecular consequence: intron variant.
Genome position (GRCh38, 1-based): chr22:28,725,235, T>A on the plus strand (A>T on the coding strand, the complement: CHEK2 is on the minus strand). VCF-style: chr22-28725235-T-A. GRCh37 (hg19) VCF-style: chr22-29121223-T-A.
Other names: c.-220+8A>T (NM_001437942.1); c.444+8A>T (NM_001349956.3, NM_145862.3); c.-334+8A>T (NM_001257387.3); c.537+8A>T (NM_001438295.1, NM_001438293.1); c.573+8A>T (NM_001438294.1, NM_001005735.3).
Identifiers: ClinVar variation 3772928 (VCV003772928.1).

ClinVar aggregate classification (germline): Likely benign (1 of 4 stars; one submission).

Conditions:
Familial cancer of breast. Also called: Hereditary breast cancer; BREAST CANCER, FAMILIAL; hereditary breast carcinoma. Identifiers: Orphanet 227535, MedGen C0346153, MONDO:0016419, OMIM 114480. Disease mechanism: loss of function.

Submission:

Myriad Genetics, Inc.
Classification: Likely benign for Familial cancer of breast. Last evaluated: 2024-10-02. Review status: criteria provided, single submitter. Criteria: Myriad Autosomal Dominant, Autosomal Recessive and X-Linked Classification Criteria (2023). Collection method: clinical testing. Allele origin: unknown.
Comment: This variant is considered likely benign. This variant is intronic and is not expected to impact mRNA splicing.